The following is an entry in ClinVar:

ClinVar aggregate classification (germline): Uncertain significance. Review status: criteria provided, multiple submitters, no conflicts (2 of 4 stars). 3 submissions from 3 submitters: Uncertain significance (3). Last evaluated 2024-07-08.

Conditions:
Holoprosencephaly 3 (HPE3). Identifiers: Orphanet 2162, MedGen C1840529, MONDO:0007733, OMIM 142945.

Submissions (3):

Blueprint Genetics
Classification: Uncertain significance. Last evaluated: 2024-07-08. Review status: criteria provided, single submitter. Criteria: ACMG Guidelines, 2015. Collection method: clinical testing. Allele origin: germline.

Labcorp Genetics (formerly Invitae), Labcorp
Classification: Uncertain significance for Holoprosencephaly 3. Last evaluated: 2024-05-15. Review status: criteria provided, single submitter. Criteria: Invitae Variant Classification Sherloc (09022015). Collection method: clinical testing. Allele origin: germline.
Comment: This sequence change replaces alanine, which is neutral and non-polar, with glycine, which is neutral and non-polar, at codon 94 of the SHH protein (p.Ala94Gly). This variant is not present in population databases (gnomAD no frequency). This variant has not been reported in the literature in individuals affected with SHH-related conditions. ClinVar contains an entry for this variant (Variation ID: 982884). Advanced modeling of protein sequence and biophysical properties (such as structural, functional, and spatial information, amino acid conservation, physicochemical variation, residue mobility, and thermodynamic stability) performed at Invitae indicates that this missense variant is expected to disrupt SHH protein function with a positive predictive value of 80%. In summary, the available evidence is currently insufficient to determine the role of this variant in disease. Therefore, it has been classified as a Variant of Uncertain Significance.

Institute of Human Genetics, University of Leipzig Medical Center
Classification: Uncertain significance for Holoprosencephaly 3. Last evaluated: 2019-01-01. Review status: criteria provided, single submitter. Criteria: ACMG Guidelines, 2015. Collection method: clinical testing. Allele origin: unknown. Affected: yes.

NM_000193.4(SHH):c.281C>G (p.Ala94Gly)

Gene: SHH (sonic hedgehog signaling molecule; minus strand). Cytogenetic location: 7q36.3.
Variant type: single nucleotide variant.
Coding change: c.281C>G on transcript NM_000193.4 (MANE Select); coding-DNA position 281, C replaced by G.
Protein change: p.Ala94Gly; replaces alanine 94 with glycine.
Molecular consequence: missense variant.
Genome position (GRCh38, 1-based): chr7:155,811,842, G>C on the plus strand (C>G on the coding strand, the complement: SHH is on the minus strand). VCF-style: chr7-155811842-G-C. GRCh37 (hg19) VCF-style: chr7-155604536-G-C.
Other names: short protein forms A94G.
Identifiers: ClinVar variation 982884 (VCV000982884.5), dbSNP rs1803529327, ClinGen allele CA370151013.